The following is an entry in ClinVar:

ClinVar aggregate classification (germline): Likely benign. Review status: criteria provided, multiple submitters, no conflicts (2 of 4 stars). 3 submissions from 3 submitters: Likely benign (3). Last evaluated 2026-01-01.

Conditions:
Tuberous sclerosis 2 (TSC2). Identifiers: Orphanet 805, MedGen C1860707, MONDO:0013199, OMIM 613254.

Allele frequency attached by ClinVar (database versions not stated): gnomAD 0.00002 and 0.00003; gnomAD exomes 0.00003 and 0.00005; ExAC 0.00004; TOPMed 0.00005.
gnomAD v4.1: 78 of 1,613,006 alleles (0.0048%); highest among the groups gnomAD compares: Middle Eastern, 0.016%; no homozygotes.

Submissions (3):

Labcorp Genetics (formerly Invitae), Labcorp
Classification: Likely benign for Tuberous sclerosis 2. Last evaluated: 2026-01-01. Review status: criteria provided, single submitter. Criteria: Invitae Variant Classification Sherloc (09022015). Collection method: clinical testing. Allele origin: germline.

Blueprint Genetics
Classification: Likely benign. Last evaluated: 2023-10-03. Review status: criteria provided, single submitter. Criteria: ACMG Guidelines, 2015. Collection method: clinical testing. Allele origin: germline.

GeneDx
Classification: Likely benign. Last evaluated: 2015-10-07. Review status: criteria provided, single submitter. Criteria: GeneDx Variant Classification (06012015). Collection method: clinical testing. Allele origin: germline. Affected: yes.
Comment: This variant is considered likely benign or benign based on one or more of the following criteria: it is a conservative change, it occurs at a poorly conserved position in the protein, it is predicted to be benign by multiple in silico algorithms, and/or has population frequency not consistent with disease.

NM_000548.5(TSC2):c.2639+11G>A

Gene: TSC2 (TSC complex subunit 2; plus strand). Cytogenetic location: 16p13.3.
Variant type: single nucleotide variant.
Coding change: c.2639+11G>A on transcript NM_000548.5 (MANE Select); 11 bases into the intron after coding-DNA position 2639, G replaced by A.
Molecular consequence: intron variant.
Genome position (GRCh38, 1-based): chr16:2,075,903, G>A. VCF-style: chr16-2075903-G-A. GRCh37 (hg19) VCF-style: chr16-2125904-G-A.
Other names: c.2639+11G>A (NM_001114382.3, NM_021055.3, NM_001370405.1 and 3 more transcripts); c.2528+11G>A (NM_001318827.2); c.2039+11G>A (NM_001318831.2); c.2492+11G>A (NM_001318829.2); c.2672+11G>A (NM_001318832.2).
Identifiers: ClinVar variation 380977 (VCV000380977.9), dbSNP rs1057520919, ClinGen allele CA7828388.